The following is an entry in ClinVar:

NM_003500.4(ACOX2):c.840C>T (p.Tyr280=)

Gene: ACOX2 (acyl-CoA oxidase 2; minus strand). Cytogenetic location: 3p14.3.
Variant type: single nucleotide variant.
Coding change: c.840C>T on transcript NM_003500.4 (MANE Select); coding-DNA position 840, C replaced by T.
Protein change: p.Tyr280=; no amino-acid change (tyrosine 280 retained).
Molecular consequence: synonymous variant.
Genome position (GRCh38, 1-based): chr3:58,530,618, G>A on the plus strand (C>T on the coding strand, the complement: ACOX2 is on the minus strand). VCF-style: chr3-58530618-G-A. GRCh37 (hg19) VCF-style: chr3-58516345-G-A.
Identifiers: ClinVar variation 3032913 (VCV003032913.2), dbSNP rs142094321, ClinGen allele CA2472254.

ClinVar aggregate classification (germline): Likely benign (0 of 4 stars; one submission).

Conditions:
ACOX2-related disorder. Also called: ACOX2-related condition.

Allele frequency attached by ClinVar (database versions not stated): gnomAD 0.00013; TOPMed 0.00015; gnomAD exomes 0.00024; ExAC 0.00034; ESP Exome Variant Server 0.00038.
gnomAD v4.1: 372 of 1,614,018 alleles (0.023%); highest among the groups gnomAD compares: Non-Finnish European, 0.03%; no homozygotes.

Submission:

PreventionGenetics, part of Exact Sciences
Classification: Likely benign for ACOX2-related condition. Last evaluated: 2021-11-19. Review status: no assertion criteria provided. Collection method: clinical testing. Allele origin: germline.
Comment: This variant is classified as likely benign based on ACMG/AMP sequence variant interpretation guidelines (Richards et al. 2015 PMID: 25741868, with internal and published modifications).